The following is an entry in ClinVar:

NM_001166160.2(PPP1R9A):c.3860C>A (p.Ala1287Asp)

Gene: PPP1R9A (protein phosphatase 1 regulatory subunit 9A; plus strand). Cytogenetic location: 7q21.3.
Variant type: single nucleotide variant.
Coding change: c.3860C>A on transcript NM_001166160.2 (MANE Select); coding-DNA position 3860, C replaced by A.
Protein change: p.Ala1287Asp; replaces alanine 1287 with aspartic acid.
Molecular consequence: missense variant. On other transcripts: intron variant (1).
Genome position (GRCh38, 1-based): chr7:95,288,666, C>A. VCF-style: chr7-95288666-C-A. GRCh37 (hg19) VCF-style: chr7-94917978-C-A.
Other names: c.3626C>A, p.Ala1209Asp (NM_001166161.1); c.3008C>A, p.Ala1003Asp (NM_001166163.1); c.3032C>A, p.Ala1011Asp (NM_017650.3); c.3550-1425C>A (NM_001166162.1); short protein forms A1003D, A1011D, A1209D, A1287D.
Identifiers: ClinVar variation 3051854 (VCV003051854.2), dbSNP rs140151559, ClinGen allele CA4350047.

ClinVar aggregate classification (germline): Likely benign (0 of 4 stars; one submission).

Conditions:
PPP1R9A-related disorder. Also called: PPP1R9A-related condition.

Allele frequency attached by ClinVar (database versions not stated): gnomAD exomes 0.00006; ExAC 0.00021; 1000 Genomes Project 30x 0.00031; 1000 Genomes Project 0.00040; gnomAD 0.00064; ESP Exome Variant Server 0.00069; TOPMed 0.00077.

Submission:

PreventionGenetics, part of Exact Sciences
Classification: Likely benign for PPP1R9A-related condition. Last evaluated: 2022-03-16. Review status: no assertion criteria provided. Collection method: clinical testing. Allele origin: germline.
Comment: This variant is classified as likely benign based on ACMG/AMP sequence variant interpretation guidelines (Richards et al. 2015 PMID: 25741868, with internal and published modifications).